The following is an entry in ClinVar:

NM_003482.4(KMT2D):c.11045A>G (p.Gln3682Arg)

Gene: KMT2D (lysine methyltransferase 2D; minus strand). Cytogenetic location: 12q13.12.
Variant type: single nucleotide variant.
Coding change: c.11045A>G on transcript NM_003482.4 (MANE Select); coding-DNA position 11045, A replaced by G.
Protein change: p.Gln3682Arg; replaces glutamine 3682 with arginine.
Molecular consequence: missense variant.
Genome position (GRCh38, 1-based): chr12:49,033,660, T>C on the plus strand (A>G on the coding strand, the complement: KMT2D is on the minus strand). VCF-style: chr12-49033660-T-C. GRCh37 (hg19) VCF-style: chr12-49427443-T-C.
Other names: short protein forms Q3682R.
Identifiers: ClinVar variation 1408102 (VCV001408102.6), dbSNP rs2120444909, ClinGen allele CA384723954.

ClinVar aggregate classification (germline): Uncertain significance (1 of 4 stars; one submission).

Conditions:
Kabuki syndrome. Also called: Kabuki make-up syndrome; NIIKAWA-KUROKI SYNDROME. Identifiers: Orphanet 2322, MedGen C0796004, MONDO:0016512.

Submission:

Labcorp Genetics (formerly Invitae), Labcorp
Classification: Uncertain significance for Kabuki syndrome. Last evaluated: 2021-07-29. Review status: criteria provided, single submitter. Criteria: Invitae Variant Classification Sherloc (09022015). Collection method: clinical testing. Allele origin: germline.
Comment: In summary, the available evidence is currently insufficient to determine the role of this variant in disease. Therefore, it has been classified as a Variant of Uncertain Significance. Advanced modeling of protein sequence and biophysical properties (such as structural, functional, and spatial information, amino acid conservation, physicochemical variation, residue mobility, and thermodynamic stability) performed at Invitae indicates that this missense variant is not expected to disrupt KMT2D protein function. This variant has not been reported in the literature in individuals affected with KMT2D-related conditions. This variant is not present in population databases (ExAC no frequency). This sequence change replaces glutamine with arginine at codon 3682 of the KMT2D protein (p.Gln3682Arg). The glutamine residue is moderately conserved and there is a small physicochemical difference between glutamine and arginine.